The following is an entry in ClinVar:

NM_030962.4(SBF2):c.4563A>T (p.Leu1521Phe)

Genes: SBF2-AS1 (SBF2 antisense RNA 1; plus strand), SBF2 (SET binding factor 2; minus strand). Cytogenetic location: 11p15.4.
Variant type: single nucleotide variant.
Coding change: c.4563A>T on transcript NM_030962.4 (MANE Select); coding-DNA position 4563, A replaced by T.
Protein change: p.Leu1521Phe; replaces leucine 1521 with phenylalanine.
Molecular consequence: missense variant.
Genome position (GRCh38, 1-based): chr11:9,795,838, T>A on the plus strand (A>T on the coding strand, the complement: SBF2 is on the minus strand). VCF-style: chr11-9795838-T-A. GRCh37 (hg19) VCF-style: chr11-9817385-T-A.
Other names: c.4659A>T, p.Leu1553Phe (NM_001386339.1); c.4434A>T, p.Leu1478Phe (NM_001386342.1); short protein forms L1521F, L1478F, L1553F.
Identifiers: ClinVar variation 426528 (VCV000426528.13), dbSNP rs148988271, ClinGen allele CA5880957.

ClinVar aggregate classification (germline): Uncertain significance. Review status: criteria provided, multiple submitters, no conflicts (2 of 4 stars). 4 submissions from 4 submitters: Uncertain significance (4). Last evaluated 2022-05-10.

Conditions:
Charcot-Marie-Tooth disease type 4. Also called: Charcot-Marie-Tooth disease, type IV; Charcot-Marie-Tooth, Type 4. Identifiers: Orphanet 64749, MedGen C4082197, MONDO:0018995.
Charcot-Marie-Tooth disease type 4B2. Also called: CHARCOT-MARIE-TOOTH DISEASE, DEMYELINATING, TYPE 4B2; CHARCOT-MARIE-TOOTH DISEASE, WITH FOCALLY FOLDED MYELIN SHEATHS, AUTOSOMAL RECESSIVE, TYPE 4B2; CMT 4B2; Charcot-Marie-Tooth Neuropathy Type 4B2. Identifiers: Orphanet 99956, MedGen C1858278, MONDO:0011475, OMIM 604563.
Inborn genetic diseases. Identifiers: MedGen C0950123, MeSH D030342.

Allele frequency attached by ClinVar (database versions not stated): gnomAD exomes 0.00003 and 0.00010; TOPMed 0.00004; gnomAD 0.00005; ExAC 0.00006; ESP Exome Variant Server 0.00008.
gnomAD v4.1: 59 of 1,613,714 alleles (0.0037%); highest among the groups gnomAD compares: Non-Finnish European, 0.00051%; no homozygotes.

Submissions (4):

Labcorp Genetics (formerly Invitae), Labcorp
Classification: Uncertain significance for Charcot-Marie-Tooth disease type 4. Last evaluated: 2022-05-10. Review status: criteria provided, single submitter. Criteria: Invitae Variant Classification Sherloc (09022015). Collection method: clinical testing. Allele origin: germline.
Comment: This sequence change replaces leucine, which is neutral and non-polar, with phenylalanine, which is neutral and non-polar, at codon 1521 of the SBF2 protein (p.Leu1521Phe). This variant is present in population databases (rs148988271, gnomAD 0.2%). This variant has not been reported in the literature in individuals affected with SBF2-related conditions. ClinVar contains an entry for this variant (Variation ID: 426528). Algorithms developed to predict the effect of missense changes on protein structure and function (SIFT, PolyPhen-2, Align-GVGD) all suggest that this variant is likely to be tolerated. In summary, the available evidence is currently insufficient to determine the role of this variant in disease. Therefore, it has been classified as a Variant of Uncertain Significance.

Ambry Genetics
Classification: Uncertain significance for Inborn genetic diseases. Last evaluated: 2020-12-20. Review status: criteria provided, single submitter. Criteria: Ambry Variant Classification Scheme 2023. Collection method: clinical testing. Allele origin: germline.
Comment: The p.L1521F variant (also known as c.4563A>T), located in coding exon 33 of the SBF2 gene, results from an A to T substitution at nucleotide position 4563. The leucine at codon 1521 is replaced by phenylalanine, an amino acid with highly similar properties. This amino acid position is well conserved in available vertebrate species. In addition, the in silico prediction for this alteration is inconclusive. Since supporting evidence is limited at this time, the clinical significance of this alteration remains unclear.

Illumina Laboratory Services, Illumina
Classification: Uncertain significance for Charcot-Marie-Tooth disease type 4B2. Last evaluated: 2018-01-13. Review status: criteria provided, single submitter. Criteria: ICSL Variant Classification Criteria 13 December 2019. Collection method: clinical testing. Allele origin: germline.

GeneDx
Classification: Uncertain significance. Last evaluated: 2017-04-13. Review status: criteria provided, single submitter. Criteria: GeneDx Variant Classification (06012015). Collection method: clinical testing. Allele origin: germline. Affected: yes.
Comment: A variant of uncertain significance has been identified in the SBF2 gene. The L1521F variant has not been published as a pathogenic variant, nor has it been reported as a benign variant to our knowledge. The L1521F variant is observed in 7/66,662 (0.01%) alleles from individuals of European background, in the ExAC dataset (Lek et al., 2016; 1000 Genomes Consortium et al., 2015; Exome Variant Server). This substitution occurs at a position that is conserved across species. However, the L1521F variant is a conservative amino acid substitution, which is not likely to impact secondary protein structure as these residues share similar properties. In silico analysis is inconsistent in its predictions as to whether or not the variant is damaging to the protein structure/function. Therefore, based on the currently available information, it is unclear whether this variant is a pathogenic variant or a rare benign variant.